The following is an entry in ClinVar:

NM_001365536.1(SCN9A):c.3080C>G (p.Ala1027Gly)

Genes: SCN9A (sodium voltage-gated channel alpha subunit 9; minus strand), SCN1A-AS1 (SCN1A and SCN9A antisense RNA 1; plus strand). Cytogenetic location: 2q24.3.
Variant type: single nucleotide variant.
Coding change: c.3080C>G on transcript NM_001365536.1 (MANE Select); coding-DNA position 3080, C replaced by G.
Protein change: p.Ala1027Gly; replaces alanine 1027 with glycine.
Molecular consequence: missense variant.
Genome position (GRCh38, 1-based): chr2:166,272,670, G>C on the plus strand (C>G on the coding strand, the complement: SCN9A is on the minus strand). VCF-style: chr2-166272670-G-C. GRCh37 (hg19) VCF-style: chr2-167129180-G-C.
Other names: c.3047C>G, p.Ala1016Gly (NM_002977.4); short protein forms A1016G, A1027G.
Identifiers: ClinVar variation 660759 (VCV000660759.11), dbSNP rs1574844017, ClinGen allele CA349073996.
Genomic context (GRCh38, chr2:166,272,670, plus strand): 5'-CTCATTTCAGCAAGTGTATGGTTAGAAATATAGTTTTCCTTCTTAGTATTCAGATCTTCT[G>C]CTTGTCTTATCTCCCTGGAAATCTTTGGCTTTTTGGAAAATGCTTTTAGAATAAATTCAC-3'
Protein context (NP_001352465.1, residues 1017-1037): KPKISREIRQ[Ala1027Gly]EDLNTKKENY

ClinVar aggregate classification (germline): Uncertain significance (1 of 4 stars; one submission).

Conditions:
Generalized epilepsy with febrile seizures plus, type 7 (GEFSP7). Also called: GEFS+, TYPE 7. Identifiers: Orphanet 36387, MedGen C2751778, MONDO:0013470, OMIM 613863.
Neuropathy, hereditary sensory and autonomic, type 2A (HSAN2A). Also called: HSAN IIA; WNK1-Related HSAN2 (HSAN2A); MORVAN DISEASE; NEUROPATHY, CONGENITAL SENSORY; NEUROPATHY, HEREDITARY SENSORY RADICULAR, AUTOSOMAL RECESSIVE; NEUROPATHY, HEREDITARY SENSORY, TYPE IIA. Identifiers: Orphanet 970, MedGen C2752089, MONDO:0024309, OMIM 201300.

gnomAD v4.1: 1 of 1,611,636 alleles (0.000062%); highest among the groups gnomAD compares: Non-Finnish European, 0.000085%; no homozygotes.

Submission:

Labcorp Genetics (formerly Invitae), Labcorp
Classification: Uncertain significance for Neuropathy, hereditary sensory and autonomic, type 2A; Generalized epilepsy with febrile seizures plus, type 7. Last evaluated: 2019-08-06. Review status: criteria provided, single submitter. Criteria: Invitae Variant Classification Sherloc (09022015). Collection method: clinical testing. Allele origin: germline.
Comment: In summary, the available evidence is currently insufficient to determine the role of this variant in disease. Therefore, it has been classified as a Variant of Uncertain Significance. Algorithms developed to predict the effect of missense changes on protein structure and function (SIFT, PolyPhen-2, Align-GVGD) all suggest that this variant is likely to be tolerated, but these predictions have not been confirmed by published functional studies and their clinical significance is uncertain. This variant has not been reported in the literature in individuals with SCN9A-related conditions. This variant is not present in population databases (ExAC no frequency). This sequence change replaces alanine with glycine at codon 1016 of the SCN9A protein (p.Ala1016Gly). The alanine residue is weakly conserved and there is a small physicochemical difference between alanine and glycine.